The following is an entry in ClinVar:

NM_001082971.2(DDC):c.1426C>T (p.Arg476Ter)

Gene: DDC (dopa decarboxylase; minus strand). Cytogenetic location: 7p12.2.
Variant type: single nucleotide variant.
Coding change: c.1426C>T on transcript NM_001082971.2 (MANE Select); coding-DNA position 1426, C replaced by T.
Protein change: p.Arg476Ter; replaces arginine 476 with a stop codon.
Molecular consequence: nonsense.
Genome position (GRCh38, 1-based): chr7:50,463,248, G>A on the plus strand (C>T on the coding strand, the complement: DDC is on the minus strand). VCF-style: chr7-50463248-G-A. GRCh37 (hg19) VCF-style: chr7-50530946-G-A.
Other names: c.1426C>T, p.Arg476Ter (NM_000790.4); c.1312C>T, p.Arg438Ter (NM_001242886.2); c.1282C>T, p.Arg428Ter (NM_001242887.2); c.1192C>T, p.Arg398Ter (NM_001242888.2); c.1147C>T, p.Arg383Ter (NM_001242889.2); short protein forms R476*, R398*, R428*, R383*, R438*.
Identifiers: ClinVar variation 632005 (VCV000632005.7), dbSNP rs148472208, ClinGen allele CA4261967.

ClinVar aggregate classification (germline): Uncertain significance (1 of 4 stars; one submission).

Conditions:
Deficiency of aromatic-L-amino-acid decarboxylase. Also called: AADC DEFICIENCY; Aromatic L-Amino Acid Decarboxylase Deficiency; DDC DEFICIENCY; DOPA DECARBOXYLASE DEFICIENCY; Aromatic amino acid decarboxylase deficiency. Identifiers: Orphanet 35708, MedGen C1291564, MONDO:0012084, OMIM 608643.

Allele frequency attached by ClinVar (database versions not stated): gnomAD 0.00010; gnomAD exomes 0.00010; TOPMed 0.00010; ExAC 0.00014; ESP Exome Variant Server 0.00015.
gnomAD v4.1: 231 of 1,613,162 alleles (0.014%); highest among the groups gnomAD compares: Non-Finnish European, 0.014%; no homozygotes.

Submission:

Labcorp Genetics (formerly Invitae), Labcorp
Classification: Uncertain significance for Deficiency of aromatic-L-amino-acid decarboxylase. Last evaluated: 2022-10-13. Review status: criteria provided, single submitter. Criteria: Invitae Variant Classification Sherloc (09022015). Collection method: clinical testing. Allele origin: germline.
Comment: This sequence change creates a premature translational stop signal (p.Arg476*) in the DDC gene. While this is not anticipated to result in nonsense mediated decay, it is expected to disrupt the last 5 amino acid(s) of the DDC protein. This variant is present in population databases (rs148472208, gnomAD 0.1%). This variant has not been reported in the literature in individuals affected with DDC-related conditions. ClinVar contains an entry for this variant (Variation ID: 632005). In summary, the available evidence is currently insufficient to determine the role of this variant in disease. Therefore, it has been classified as a Variant of Uncertain Significance.